The following is an entry in ClinVar:

ClinVar aggregate classification (germline): Uncertain significance. Review status: criteria provided, multiple submitters, no conflicts (2 of 4 stars). 2 submissions from 2 submitters: Uncertain significance (2). Last evaluated 2025-10-27.

Conditions:
Hereditary cancer-predisposing syndrome. Also called: Hereditary Cancer Syndrome; Neoplastic Syndromes, Hereditary; Hereditary neoplastic syndrome; Tumor predisposition. Identifiers: Orphanet 140162, MedGen C0027672, MeSH D009386, MONDO:0015356.
Familial cancer of breast. Also called: hereditary breast carcinoma; BREAST CANCER, FAMILIAL; Hereditary breast cancer. Identifiers: Orphanet 227535, MedGen C0346153, MONDO:0016419, OMIM 114480. Disease mechanism: loss of function.

Submissions (2):

Ambry Genetics
Classification: Uncertain significance for Hereditary cancer-predisposing syndrome. Last evaluated: 2025-10-27. Review status: criteria provided, single submitter. Criteria: Ambry Variant Classification Scheme 2023. Collection method: clinical testing. Allele origin: germline.
Comment: The p.G364S variant (also known as c.1090G>A), located in coding exon 4 of the PALB2 gene, results from a G to A substitution at nucleotide position 1090. The glycine at codon 364 is replaced by serine, an amino acid with similar properties. This amino acid position is conserved. In addition, this alteration is predicted to be tolerated by in silico analysis. Based on the available evidence, the clinical significance of this variant remains unclear.

Labcorp Genetics (formerly Invitae), Labcorp
Classification: Uncertain significance for Familial cancer of breast. Last evaluated: 2024-06-10. Review status: criteria provided, single submitter. Criteria: Invitae Variant Classification Sherloc (09022015). Collection method: clinical testing. Allele origin: germline.
Comment: This sequence change replaces glycine, which is neutral and non-polar, with serine, which is neutral and polar, at codon 364 of the PALB2 protein (p.Gly364Ser). This variant is not present in population databases (gnomAD no frequency). This variant has not been reported in the literature in individuals affected with PALB2-related conditions. Advanced modeling of protein sequence and biophysical properties (such as structural, functional, and spatial information, amino acid conservation, physicochemical variation, residue mobility, and thermodynamic stability) performed at Invitae indicates that this missense variant is not expected to disrupt PALB2 protein function with a negative predictive value of 80%. In summary, the available evidence is currently insufficient to determine the role of this variant in disease. Therefore, it has been classified as a Variant of Uncertain Significance.

NM_024675.4(PALB2):c.1090G>A (p.Gly364Ser)

Gene: PALB2 (partner and localizer of BRCA2; minus strand). Cytogenetic location: 16p12.2.
Variant type: single nucleotide variant.
Coding change: c.1090G>A on transcript NM_024675.4 (MANE Select); coding-DNA position 1090, G replaced by A.
Protein change: p.Gly364Ser; replaces glycine 364 with serine.
Molecular consequence: missense variant. On other transcripts: intron variant (3).
Genome position (GRCh38, 1-based): chr16:23,635,456, C>T on the plus strand (G>A on the coding strand, the complement: PALB2 is on the minus strand). VCF-style: chr16-23635456-C-T. GRCh37 (hg19) VCF-style: chr16-23646777-C-T.
Other names: c.1030G>A, p.Gly344Ser (NM_001407296.1); c.1090G>A, p.Gly364Ser (NM_001407297.1, NM_001407298.1, NM_001407299.1 and 3 more transcripts); c.205G>A, p.Gly69Ser (NM_001407304.1, NM_001407305.1, NM_001407306.1 and 5 more transcripts); c.48+5654G>A (NM_001407314.1); c.-104-4987G>A (NM_001407313.1, NM_001407312.1); short protein forms G69S, G344S, G364S.
Identifiers: ClinVar variation 3656165 (VCV003656165.3).